The following is an entry in ClinVar:

NM_006017.3(PROM1):c.1070T>A (p.Val357Asp)

Gene: PROM1 (prominin 1; minus strand). Cytogenetic location: 4p15.32.
Variant type: single nucleotide variant.
Coding change: c.1070T>A on transcript NM_006017.3 (MANE Select); coding-DNA position 1070, T replaced by A.
Protein change: p.Val357Asp; replaces valine 357 with aspartic acid.
Molecular consequence: missense variant.
Genome position (GRCh38, 1-based): chr4:16,016,173, A>T on the plus strand (T>A on the coding strand, the complement: PROM1 is on the minus strand). VCF-style: chr4-16016173-A-T. GRCh37 (hg19) VCF-style: chr4-16017796-A-T.
Other names: c.1043T>A, p.Val348Asp (NM_001145847.2, NM_001145848.2, NM_001145851.2 and 4 more transcripts); c.1070T>A, p.Val357Asp (NM_001145849.2, NM_001145850.2); short protein forms V348D, V357D.
Identifiers: ClinVar variation 1063300 (VCV001063300.9), dbSNP rs2149291244, ClinGen allele CA356416577.
Genomic context (GRCh38, chr4:16,016,173, plus strand): 5'-CCACCCTTTAAAATGATATAAAATCAGTGATTGTATTTTTTCCAAAAGCATACCTGTTGG[A>T]CCAGGCCATCCAAATCTGTCCTAAGAACGTTATTAACGTTGTCAAGTTCTGCATCCACGG-3'
Protein context (NP_006008.1, residues 347-367): NVLRTDLDGL[Val357Asp]QQGYQSLNDI

ClinVar aggregate classification (germline): Uncertain significance (1 of 4 stars; one submission).

Submission:

Labcorp Genetics (formerly Invitae), Labcorp
Classification: Uncertain significance. Last evaluated: 2022-08-16. Review status: criteria provided, single submitter. Criteria: Invitae Variant Classification Sherloc (09022015). Collection method: clinical testing. Allele origin: germline.
Comment: This sequence change replaces valine, which is neutral and non-polar, with aspartic acid, which is acidic and polar, at codon 357 of the PROM1 protein (p.Val357Asp). In summary, the available evidence is currently insufficient to determine the role of this variant in disease. Therefore, it has been classified as a Variant of Uncertain Significance. Algorithms developed to predict the effect of missense changes on protein structure and function (SIFT, PolyPhen-2, Align-GVGD) all suggest that this variant is likely to be disruptive. ClinVar contains an entry for this variant (Variation ID: 1063300). This variant has not been reported in the literature in individuals affected with PROM1-related conditions. This variant is not present in population databases (gnomAD no frequency).